The following is an entry in ClinVar:

ClinVar aggregate classification (germline): Uncertain significance (1 of 4 stars; one submission).

gnomAD v4.1: 2 of 1,611,328 alleles (0.00012%); highest among the groups gnomAD compares: South Asian, 0.0011%; no homozygotes.

Submission:

Labcorp Genetics (formerly Invitae), Labcorp
Classification: Uncertain significance. Last evaluated: 2024-06-03. Review status: criteria provided, single submitter. Criteria: Invitae Variant Classification Sherloc (09022015). Collection method: clinical testing. Allele origin: germline.
Comment: This sequence change falls in intron 5 of the KCNH1 gene. It does not directly change the encoded amino acid sequence of the KCNH1 protein. It affects a nucleotide within the consensus splice site. This variant is present in population databases (no rsID available, gnomAD 0.003%). This variant has not been reported in the literature in individuals affected with KCNH1-related conditions. ClinVar contains an entry for this variant (Variation ID: 2049492). Variants that disrupt the consensus splice site are a relatively common cause of aberrant splicing (PMID: 17576681, 9536098). Algorithms developed to predict the effect of sequence changes on RNA splicing suggest that this variant is not likely to affect RNA splicing. In summary, the available evidence is currently insufficient to determine the role of this variant in disease. Therefore, it has been classified as a Variant of Uncertain Significance.

Literature cited by the submitters: PubMed 17576681; PubMed 9536098.

NM_172362.3(KCNH1):c.558+5G>A

Gene: KCNH1 (potassium voltage-gated channel subfamily H member 1; minus strand). Cytogenetic location: 1q32.2.
Variant type: single nucleotide variant.
Coding change: c.558+5G>A on transcript NM_172362.3 (MANE Select); 5 bases into the intron after coding-DNA position 558, G replaced by A.
Molecular consequence: intron variant.
Genome position (GRCh38, 1-based): chr1:211,082,775, C>T on the plus strand (G>A on the coding strand, the complement: KCNH1 is on the minus strand). VCF-style: chr1-211082775-C-T. GRCh37 (hg19) VCF-style: chr1-211256117-C-T.
Other names: c.558+5G>A (NM_002238.4).
Identifiers: ClinVar variation 2049492 (VCV002049492.4), dbSNP rs199659908, ClinGen allele CA528845987.
Genomic context (GRCh38, chr1:211,082,775, plus strand): 5'-CCATTGCCTCAGCCCATGCACCCCCTAAAAGTGAGGCTCAAGATGAGCTAACCCTTTGCC[C>T]TTACCTCTGCCAGGCGGGAGTGCTTGTGGACATTCTCGCCTTTTTGCACGCTTGGAGCCA-3'